The following is an entry in ClinVar:

ClinVar aggregate classification (germline): Pathogenic. Review status: reviewed by expert panel (3 of 4 stars). 2 submissions from 2 submitters: Pathogenic (1). 1 of the submissions does not count toward it. Last evaluated 2016-10-18.

Conditions:
Breast-ovarian cancer, familial, susceptibility to, 2 (BROVCA2). Also called: BRCA2 Hereditary Breast and Ovarian Cancer. Identifiers: Orphanet 145, MedGen C2675520, MONDO:0012933, OMIM 612555. Disease mechanism: loss of function.

Submissions (2):

Evidence-based Network for the Interpretation of Germline Mutant Alleles (ENIGMA)
Classification: Pathogenic for Breast-ovarian cancer, familial, susceptibility to, 2. Last evaluated: 2016-10-18. Review status: reviewed by expert panel. Criteria: ENIGMA BRCA1/2 Classification Criteria (2015). Collection method: curation. Allele origin: germline.
Comment: Variant allele predicted to encode a truncated non-functional protein.

Consortium of Investigators of Modifiers of BRCA1/2 (CIMBA), c/o University of Cambridge
Classification: Pathogenic for Breast-ovarian cancer, familial, susceptibility to, 2. Last evaluated: 2015-10-02. Review status: criteria provided, single submitter. Criteria: CIMBA Mutation Classification guidelines May 2016. Collection method: clinical testing. Allele origin: germline. Not counted in ClinVar's aggregate classification.

NM_000059.4(BRCA2):c.6268_6269del (p.Glu2089_His2090insTer)

Gene: BRCA2 (BRCA2 DNA repair associated; plus strand). Cytogenetic location: 13q13.1.
Variant type: Deletion.
Coding change: c.6268_6269del on transcript NM_000059.4 (MANE Select); coding-DNA positions 6268 to 6269, 2 bases deleted (CA; older notation c.6268_6269delCA).
Protein change: p.Glu2089_His2090insTer.
Molecular consequence: nonsense.
Genome position (GRCh38, 1-based): chr13:32,340,623-32,340,624, CA deleted. VCF-style (leftmost placement, unchanged base first): chr13-32340622-GCA-G. GRCh37 (hg19) VCF-style: chr13-32914759-GCA-G.
Other names: 6496delCA-ter2090; c.6268_6269delCA (NM_000059.3).
Identifiers: ClinVar variation 52042 (VCV000052042.7), dbSNP rs397507836, ClinGen allele CA023797.